The following is an entry in ClinVar:

ClinVar aggregate classification (germline): Pathogenic. Review status: criteria provided, multiple submitters, no conflicts (2 of 4 stars). 8 submissions from 8 submitters: Pathogenic (8). Last evaluated 2025-11-10.

Conditions:
CHD7-related disorder. Also called: CHD7-related condition.
CHARGE syndrome (CHARGE). Also called: CHARGE ASSOCIATION--COLOBOMA, HEART ANOMALY, CHOANAL ATRESIA, RETARDATION, GENITAL AND EAR ANOMALIES; Hittner Hirsch Kreh syndrome; Coloboma, heart anomaly, choanal atresia, retardation, genital and ear anomalies; CHARGE association; Hall-Hittner syndrome. Identifiers: Orphanet 138, MedGen C0265354, MONDO:0008965.

Submissions (8):

Institute of Medical Genetics and Applied Genomics, University Hospital Tübingen
Classification: Pathogenic for CHD7-related CHARGE syndrome. Last evaluated: 2025-11-10. Review status: criteria provided, single submitter. Criteria: ACMG Guidelines, 2015. Collection method: clinical testing. Allele origin: germline. Inheritance: Autosomal dominant inheritance. Affected: yes.

Labcorp Genetics (formerly Invitae), Labcorp
Classification: Pathogenic for CHARGE syndrome. Last evaluated: 2022-08-20. Review status: criteria provided, single submitter. Criteria: Invitae Variant Classification Sherloc (09022015). Collection method: clinical testing. Allele origin: germline.
Comment: For these reasons, this variant has been classified as Pathogenic. Algorithms developed to predict the effect of sequence changes on RNA splicing suggest that this variant may create or strengthen a splice site. ClinVar contains an entry for this variant (Variation ID: 158314). This premature translational stop signal has been observed in individual(s) with CHARGE syndrome (PMID: 16155193, 21158681, 21554267, 22462537). In at least one individual the variant was observed to be de novo. This variant is not present in population databases (gnomAD no frequency). This sequence change creates a premature translational stop signal (p.Arg2418*) in the CHD7 gene. It is expected to result in an absent or disrupted protein product. Loss-of-function variants in CHD7 are known to be pathogenic (PMID: 22461308, 25077900).

3billion
Classification: Pathogenic for CHD7-related CHARGE syndrome. Last evaluated: 2022-05-22. Review status: criteria provided, single submitter. Criteria: ACMG Guidelines, 2015. Collection method: clinical testing. Allele origin: germline. Affected: yes. Observed: 1 heterozygote.
Comment: The variant is not observed in the gnomAD v2.1.1 dataset. Stop-gained (nonsense): predicted to result in a loss or disruption of normal protein function through nonsense-mediated decay (NMD) or protein truncation. Multiple pathogenic variants are reported downstream of the variant. The variant has been reported as pathogenic more than twice with clinical assertions and evidence for the classification (ClinVar ID: VCV000158314). Therefore, this variant is classified as pathogenic according to the recommendation of ACMG/AMP guideline.

GeneDx
Classification: Pathogenic. Last evaluated: 2022-05-05. Review status: criteria provided, single submitter. Criteria: GeneDx Variant Classification Process June 2021. Collection method: clinical testing. Allele origin: germline. Affected: yes.
Comment: Nonsense variant predicted to result in protein truncation or nonsense mediated decay in a gene for which loss-of-function is a known mechanism of disease; Not observed in large population cohorts (gnomAD); This variant is associated with the following publications: (PMID: 26928066, 21554267, 22462537, 21158681, 16155193, 32410215, 25525159)

Laboratory of Molecular Genetics (Pr. Bezieau's lab), CHU de Nantes
Classification: Pathogenic. Last evaluated: 2019-06-26. Review status: criteria provided, single submitter. Criteria: ACMG Guidelines, 2015. Collection method: clinical testing. Allele origin: germline. Affected: yes.

Blueprint Genetics
Classification: Pathogenic for CHD7-related disorders. Last evaluated: 2019-05-03. Review status: criteria provided, single submitter. Criteria: ACMG Guidelines, 2015. Collection method: clinical testing. Allele origin: germline. Affected: yes. Observed: 1 variant allele.

ARUP Laboratories, Molecular Genetics and Genomics, ARUP Laboratories
Classification: Pathogenic. Last evaluated: 2018-07-09. Review status: criteria provided, single submitter. Criteria: ARUP Molecular Germline Variant Investigation Process. Collection method: clinical testing. Allele origin: germline.
Comment: The CHD7 c.7252C>T p.Arg2418Ter variant (rs587783455) is reported in the literature in multiple individuals affected with CHARGE syndrome (Bartels 2010, Husu 2013, Jongmans 2006, Pauli 2012). In one affected individual, parental testing for the variant suggested a de novo origin (Bartels 2010). This variant is reported as pathogenic by several laboratories in ClinVar (Variation ID: 158314). It is also absent from general population databases (1000 Genomes Project, Exome Variant Server, and Genome Aggregation Database), indicating it is not a common polymorphism. This variant induces an early termination codon and is predicted to result in a truncated protein or mRNA subject to nonsense-mediated decay. Based on available information, this variant is considered to be pathogenic. References: Bartels CF et al. Mutations in the CHD7 gene: the experience of a commercial laboratory. Genet Test Mol Biomarkers. 2010 Dec;14(6):881-91. Husu E et al. Phenotype in 18 Danish subjects with genetically verified CHARGE syndrome. Clin Genet. 2013 Feb;83(2):125-34. Jongmans MC et al. CHARGE syndrome: the phenotypic spectrum of mutations in the CHD7 gene. J Med Genet. 2006 Apr;43(4):306-14 Pauli S et al. CHD7 mutations causing CHARGE syndrome are predominantly of paternal origin. Clin Genet. 2012 Mar;81(3):234-9.

Genetic Services Laboratory, University of Chicago
Classification: Pathogenic for CHARGE syndrome. Last evaluated: 2013-02-08. Review status: criteria provided, single submitter. Criteria: ACMG Guidelines, 2007. Collection method: clinical testing. Allele origin: germline. Inheritance: Autosomal dominant inheritance. Affected: yes.

Literature cited by the submitters: PubMed 16155193 (cited by Labcorp Genetics (formerly Invitae), Labcorp); PubMed 21158681 (cited by Labcorp Genetics (formerly Invitae), Labcorp); PubMed 21554267 (cited by Labcorp Genetics (formerly Invitae), Labcorp); PubMed 22462537 (cited by Labcorp Genetics (formerly Invitae), Labcorp); PubMed 22461308 (cited by Labcorp Genetics (formerly Invitae), Labcorp); PubMed 25077900 (cited by Labcorp Genetics (formerly Invitae), Labcorp).

NM_017780.4(CHD7):c.7252C>T (p.Arg2418Ter)

Gene: CHD7 (chromodomain helicase DNA binding protein 7; plus strand). Cytogenetic location: 8q12.2.
Variant type: single nucleotide variant.
Coding change: c.7252C>T on transcript NM_017780.4 (MANE Select); coding-DNA position 7252, C replaced by T.
Protein change: p.Arg2418Ter; replaces arginine 2418 with a stop codon.
Molecular consequence: nonsense. On other transcripts: intron variant (1).
Genome position (GRCh38, 1-based): chr8:60,856,532, C>T. VCF-style: chr8-60856532-C-T. GRCh37 (hg19) VCF-style: chr8-61769091-C-T.
Other names: c.7252C>T (LRG_176t1); c.1717-5697C>T (NM_001316690.1); short protein forms R2418*.
Identifiers: ClinVar variation 158314 (VCV000158314.26), dbSNP rs587783455, ClinGen allele CA271333.
Genomic context (GRCh38, chr8:60,856,532, plus strand): 5'-CGCCAGCGGAGGAGGAGGAGGAGAAAAATCGAAATTGAGGCCGAAAGAGCTGCCAAGAGG[C>T]GAAATCTCATGGAGATGGTTGCCCAGCTTCGAGAGTCTCAGGTGGTCTCAGAAAATGGAC-3'